The following is an entry in ClinVar:

NM_133379.5(TTN):c.14244T>C (p.Leu4748=)

Genes: TTN (titin; minus strand), LOC126806432 (CDK7 strongly-dependent group 2 enhancer GRCh37_chr2:179611985-179613184; plus strand). Cytogenetic location: 2q31.2.
Variant type: single nucleotide variant.
Coding change: c.14244T>C on transcript NM_133379.5; coding-DNA position 14244, T replaced by C.
Protein change: p.Leu4748=; no amino-acid change (leucine 4748 retained).
Molecular consequence: synonymous variant. On other transcripts: intron variant (6).
Genome position (GRCh38, 1-based): chr2:178,748,156, A>G on the plus strand (T>C on the coding strand, the complement: TTN is on the minus strand). VCF-style: chr2-178748156-A-G. GRCh37 (hg19) VCF-style: chr2-179612883-A-G.
Other names: p.L4748L:CTT>CTC; c.10360+4968T>C (NM_001256850.1, NM_133378.4); c.10222+4968T>C (NM_003319.4); c.10798+4968T>C (NM_133437.4); c.10597+4968T>C (NM_133432.3); c.11311+4968T>C (NM_001267550.2).
Identifiers: ClinVar variation 47769 (VCV000047769.57), dbSNP rs139669372, ClinGen allele CA284476.

ClinVar aggregate classification (germline): Benign/Likely benign. Review status: criteria provided, multiple submitters, no conflicts (2 of 4 stars). 11 submissions from 11 submitters: Benign (6); Likely benign (1). 4 of the submissions do not count toward it. Last evaluated 2026-09-01.

Allele frequency attached by ClinVar (database versions not stated): 1000 Genomes Project 30x 0.00328; 1000 Genomes Project 0.00339; gnomAD exomes 0.00764 and 0.01181; gnomAD 0.00806 and 0.00754; TOPMed 0.00777; ExAC 0.00710; ESP Exome Variant Server 0.00946.
gnomAD v4.1: 18,350 of 1,613,192 alleles (1.1%); highest among the groups gnomAD compares: Non-Finnish European, 1.4%; 143 homozygotes.

Submissions (11):

CeGaT Center for Human Genetics Tuebingen
Classification: Benign. Last evaluated: 2026-09-01. Review status: criteria provided, single submitter. Criteria: CeGaT Center For Human Genetics Tuebingen Variant Classification Criteria Version 2. Collection method: clinical testing. Allele origin: germline. Affected: yes. Observed: 80 variant alleles.
Comment: TTN: BP4, BP7, BS1, BS2

ARUP Laboratories, Molecular Genetics and Genomics, ARUP Laboratories
Classification: Benign. Last evaluated: 2025-05-29. Review status: criteria provided, single submitter. Criteria: ARUP Molecular Germline Variant Investigation Process 2024. Collection method: clinical testing. Allele origin: germline.

Molecular Diagnostic Laboratory for Inherited Cardiovascular Disease, Montreal Heart Institute
Classification: Benign. Last evaluated: 2025-04-09. Review status: criteria provided, single submitter. Criteria: ACMG Guidelines, 2015. Collection method: clinical testing. Allele origin: germline. Affected: no.

Blueprint Genetics
Classification: Likely benign. Last evaluated: 2024-11-26. Review status: criteria provided, single submitter. Criteria: ACMG Guidelines, 2015. Collection method: clinical testing. Allele origin: germline.

GeneDx
Classification: Benign. Last evaluated: 2013-12-09. Review status: criteria provided, single submitter. Criteria: GeneDx Variant Classification (06012015). Collection method: clinical testing. Allele origin: germline. Affected: yes.
Comment: This variant is considered likely benign or benign based on one or more of the following criteria: it is a conservative change, it occurs at a poorly conserved position in the protein, it is predicted to be benign by multiple in silico algorithms, and/or has population frequency not consistent with disease.

Laboratory for Molecular Medicine, Mass General Brigham Personalized Medicine
Classification: Benign. Last evaluated: 2011-12-09. Review status: criteria provided, single submitter. Criteria: LMM Criteria. Collection method: clinical testing. Allele origin: germline. Observed: 30 variant alleles.

Breakthrough Genomics
Classification: Benign. Review status: criteria provided, single submitter. Criteria: ACMG Guidelines, 2015. Collection method: not provided. Allele origin: germline. Inheritance: Autosomal recessive inheritance. Affected: yes.

Clinical Genetics, Academic Medical Center
Classification: Benign. Review status: no assertion criteria provided. Collection method: clinical testing. Allele origin: germline. Affected: yes. Study: VKGL Data-share Consensus. Not counted in ClinVar's aggregate classification.

Diagnostic Laboratory, Department of Genetics, University Medical Center Groningen
Classification: Likely benign. Review status: no assertion criteria provided. Collection method: clinical testing. Allele origin: germline. Affected: yes. Study: VKGL Data-share Consensus. Not counted in ClinVar's aggregate classification.

Joint Genome Diagnostic Labs from Nijmegen and Maastricht, Radboudumc and MUMC+
Classification: Benign. Review status: no assertion criteria provided. Collection method: clinical testing. Allele origin: germline. Affected: yes. Study: VKGL Data-share Consensus. Not counted in ClinVar's aggregate classification.

Laboratory of Diagnostic Genome Analysis, Leiden University Medical Center (LUMC)
Classification: Likely benign. Review status: no assertion criteria provided. Collection method: clinical testing. Allele origin: germline. Affected: yes. Study: VKGL Data-share Consensus. Not counted in ClinVar's aggregate classification.